The following is an entry in ClinVar:

NM_001257180.2(SLC20A2):c.1016G>A (p.Ser339Asn)

Gene: SLC20A2 (solute carrier family 20 member 2; minus strand). Cytogenetic location: 8p11.21.
Variant type: single nucleotide variant.
Coding change: c.1016G>A on transcript NM_001257180.2 (MANE Select); coding-DNA position 1016, G replaced by A.
Protein change: p.Ser339Asn; replaces serine 339 with asparagine.
Molecular consequence: missense variant.
Genome position (GRCh38, 1-based): chr8:42,437,496, C>T on the plus strand (G>A on the coding strand, the complement: SLC20A2 is on the minus strand). VCF-style: chr8-42437496-C-T. GRCh37 (hg19) VCF-style: chr8-42295014-C-T.
Other names: c.1016G>A (NM_006749.3); c.1016G>A, p.Ser339Asn (NM_001257181.2, NM_006749.5); short protein forms S339N.
Identifiers: ClinVar variation 3351233 (VCV003351233.4).

ClinVar aggregate classification (germline): Uncertain significance. Review status: criteria provided, multiple submitters, no conflicts (2 of 4 stars). 3 submissions from 3 submitters: Uncertain significance (3). Last evaluated 2026-06-25.

Conditions:
SLC20A2-related disorder. Also called: SLC20A2-related condition.
Inborn genetic diseases. Identifiers: MedGen C0950123, MeSH D030342.

gnomAD v4.1: 80 of 1,614,014 alleles (0.005%); highest among the groups gnomAD compares: Non-Finnish European, 0.0066%; no homozygotes.

Submissions (3):

Women's Health and Genetics/Laboratory Corporation of America, LabCorp
Classification: Uncertain significance. Last evaluated: 2026-06-25. Review status: criteria provided, single submitter. Criteria: LabCorp Variant Classification Summary - May 2015. Collection method: clinical testing. Allele origin: germline.
Comment: Variant summary: SLC20A2 c.1016G>A (p.Ser339Asn) results in a conservative amino acid change in the encoded protein sequence. Algorithms developed to predict the effect of missense changes on protein structure and function are either unavailable or do not agree on the potential impact of this missense change. The variant allele was found at a frequency of 2e-05 in 250610 control chromosomes. The available data on variant occurrences in the general population are insufficient to allow any conclusion about variant significance. To our knowledge, no occurrence of c.1016G>A in individuals affected with SLC20A2-related conditions and no experimental evidence demonstrating its impact on protein function have been reported. ClinVar contains an entry for this variant (Variation ID: 3351233). Based on the evidence outlined above, the variant was classified as uncertain significance.

PreventionGenetics, part of Exact Sciences
Classification: Uncertain significance for SLC20A2-related condition. Last evaluated: 2025-05-27. Review status: criteria provided, single submitter. Criteria: ACMG Guidelines, 2015. Collection method: clinical testing. Allele origin: germline.
Comment: The SLC20A2 c.1016G>A variant is predicted to result in the amino acid substitution p.Ser339Asn. To our knowledge, this variant has not been reported in the literature. This variant is reported in 0.0044% of alleles in individuals of European (Non-Finnish) descent in gnomAD. At this time, the clinical significance of this variant is uncertain due to the absence of conclusive functional and genetic evidence.

Ambry Genetics
Classification: Uncertain significance for Inborn genetic diseases. Last evaluated: 2025-01-19. Review status: criteria provided, single submitter. Criteria: Ambry Variant Classification Scheme 2023. Collection method: clinical testing. Allele origin: germline.